The following is an entry in ClinVar:

NM_001382508.1(DROSHA):c.661T>A (p.Ser221Thr)

Gene: DROSHA (drosha ribonuclease III; minus strand). Cytogenetic location: 5p13.3.
Variant type: single nucleotide variant.
Coding change: c.661T>A on transcript NM_001382508.1 (MANE Select); coding-DNA position 661, T replaced by A.
Protein change: p.Ser221Thr; replaces serine 221 with threonine.
Molecular consequence: missense variant.
Genome position (GRCh38, 1-based): chr5:31,526,272, A>T on the plus strand (T>A on the coding strand, the complement: DROSHA is on the minus strand). VCF-style: chr5-31526272-A-T. GRCh37 (hg19) VCF-style: chr5-31526379-A-T.
Other names: c.661T>A, p.Ser221Thr (NM_001100412.2, NM_013235.5); short protein forms S221T.
Identifiers: ClinVar variation 4978204 (VCV004978204.1).
Genomic context (GRCh38, chr5:31,526,272, plus strand): 5'-CTCGCCCATGACTGTGATCTCGGTGCCTGTGGTCATCATAGTGTTTCAGCCTTTCTGGGG[A>T]CCTTCTCTCACTGGGAGCCTTTGGGAGTGGGTATGGAGGGAGATGTCTGAAATGAGGACT-3'
Protein context (NP_001369437.1, residues 211-231): PLPKAPSERR[Ser221Thr]PERLKHYDDH

ClinVar aggregate classification (germline): Uncertain significance (1 of 4 stars; one submission).

Conditions:
DROSHA-related disorder. Also called: DROSHA-related condition.

Submission:

PreventionGenetics, part of Exact Sciences
Classification: Uncertain significance for DROSHA-related condition. Last evaluated: 2026-08-14. Review status: criteria provided, single submitter. Criteria: ACMG Guidelines, 2015. Collection method: clinical testing. Allele origin: germline.
Comment: The DROSHA c.661T>A variant is predicted to result in the amino acid substitution p.Ser221Thr. To our knowledge, this variant has not been reported in the literature or in a large population database (gnomAD), indicating this variant is rare. At the time of reporting, this variant is absent from the ClinVar database. At this time, the clinical significance of this variant is uncertain due to the absence of conclusive functional and genetic evidence.